The following is an entry in ClinVar:

NM_002474.3(MYH11):c.281C>T (p.Thr94Met)

Gene: MYH11 (myosin heavy chain 11; minus strand). Cytogenetic location: 16p13.11.
Variant type: single nucleotide variant.
Coding change: c.281C>T on transcript NM_002474.3 (MANE Select); coding-DNA position 281, C replaced by T.
Protein change: p.Thr94Met; replaces threonine 94 with methionine.
Molecular consequence: missense variant.
Genome position (GRCh38, 1-based): chr16:15,837,972, G>A on the plus strand (C>T on the coding strand, the complement: MYH11 is on the minus strand). VCF-style: chr16-15837972-G-A. GRCh37 (hg19) VCF-style: chr16-15931829-G-A.
Other names: p.T94M:ACG>ATG; c.281C>T, p.Thr94Met (NM_001040113.2, NM_001040114.2, NM_022844.3); short protein forms T94M.
Identifiers: ClinVar variation 201120 (VCV000201120.17), dbSNP rs794728681, ClinGen allele CA306697.

ClinVar aggregate classification (germline): Uncertain significance. Review status: criteria provided, multiple submitters, no conflicts (2 of 4 stars). 5 submissions from 5 submitters: Uncertain significance (5). Last evaluated 2025-09-03.

Conditions:
Familial thoracic aortic aneurysm and aortic dissection (TAAD). Also called: Thoracic aortic aneurysms and dissections. Identifiers: Orphanet 91387, MedGen C4707243, MONDO:0019625.
Aortic aneurysm, familial thoracic 4 (AAT4). Also called: AORTIC ANEURYSM/AORTIC DISSECTION AND PATENT DUCTUS ARTERIOSUS. Identifiers: MedGen C1851504, MONDO:0007568, OMIM 132900.

Allele frequency attached by ClinVar (database versions not stated): gnomAD 0.00001; gnomAD exomes 0.00001 and 0.00002; TOPMed 0.00001.
gnomAD v4.1: 7 of 1,613,996 alleles (0.00043%); highest among the groups gnomAD compares: African/African-American, 0.0013%; no homozygotes.

Submissions (5):

Labcorp Genetics (formerly Invitae), Labcorp
Classification: Uncertain significance for Aortic aneurysm, familial thoracic 4. Last evaluated: 2025-09-03. Review status: criteria provided, single submitter. Criteria: Invitae Variant Classification Sherloc (09022015). Collection method: clinical testing. Allele origin: germline.
Comment: This sequence change replaces threonine, which is neutral and polar, with methionine, which is neutral and non-polar, at codon 94 of the MYH11 protein (p.Thr94Met). This variant is present in population databases (rs794728681, gnomAD 0.007%). This variant has not been reported in the literature in individuals affected with MYH11-related conditions. ClinVar contains an entry for this variant (Variation ID: 201120). Invitae Evidence Modeling of protein sequence and biophysical properties (such as structural, functional, and spatial information, amino acid conservation, physicochemical variation, residue mobility, and thermodynamic stability) has been performed for this missense variant. However, the output from this modeling did not meet the statistical confidence thresholds required to predict the impact of this variant on MYH11 protein function. In summary, the available evidence is currently insufficient to determine the role of this variant in disease. Therefore, it has been classified as a Variant of Uncertain Significance.

Color Diagnostics, LLC DBA Color Health
Classification: Uncertain significance for Familial thoracic aortic aneurysm and aortic dissection. Last evaluated: 2025-06-20. Review status: criteria provided, single submitter. Criteria: ACMG Guidelines, 2015. Collection method: clinical testing. Allele origin: germline.
Comment: This missense variant replaces threonine with methionine at codon 94 of the MYH11 protein. Computational prediction suggests that this variant may have a deleterious impact on protein structure and function. To our knowledge, functional studies have not been reported for this variant. This variant has not been reported in individuals affected with MYH11-related disorders in the literature. This variant has been identified in 4/251480 chromosomes in the general population by the Genome Aggregation Database (gnomAD). The available evidence is insufficient to determine the role of this variant in disease conclusively. Therefore, this variant is classified as a Variant of Uncertain Significance.

All of Us Research Program, National Institutes of Health
Classification: Uncertain significance for Familial thoracic aortic aneurysm and aortic dissection. Last evaluated: 2023-12-01. Review status: criteria provided, single submitter. Criteria: ACMG Guidelines, 2015. Collection method: clinical testing. Allele origin: germline. Inheritance: Autosomal dominant inheritance. Observed: 4 variant alleles, 4 heterozygotes.
Comment: This missense variant replaces threonine with methionine at codon 94 of the MYH11 protein. Computational prediction tool suggests that this variant may have deleterious impact on protein structure and function (internally defined REVEL score threshold >=0.7, PMID: 27666373). Splice site prediction tools suggest that this variant may not impact RNA splicing. To our knowledge, functional studies have not been performed for this variant. This variant has not been reported in individuals affected with cardiovascular disorders in the literature. This variant has been identified in 4/251480 chromosomes in the general population by the Genome Aggregation Database (gnomAD). The available evidence is insufficient to determine the role of this variant in disease conclusively. Therefore, this variant is classified as a Variant of Uncertain Significance.

This study involves interpretation of variants in research participants for the purpose of population health screening. Participant phenotype was not available at the time of variant classification. Additional details can be found in publication PMID: 35346344, PMCID: PMC8962531

GeneDx
Classification: Uncertain significance. Last evaluated: 2019-10-11. Review status: criteria provided, single submitter. Criteria: GeneDx Variant Classification Process June 2021. Collection method: clinical testing. Allele origin: germline. Affected: yes.
Comment: Has not been previously published as pathogenic or benign to our knowledge; Not observed at a significant frequency in large population cohorts (Lek et al., 2016); In silico analysis, which includes protein predictors and evolutionary conservation, supports a deleterious effect; Reported in ClinVar but additional evidence is not available (ClinVar Variant ID# 201120; Landrum et al., 2016)

Ambry Genetics
Classification: Uncertain significance for Familial thoracic aortic aneurysm and aortic dissection. Last evaluated: 2017-09-13. Review status: criteria provided, single submitter. Criteria: Ambry Variant Classification Scheme 2023. Collection method: clinical testing. Allele origin: germline.
Comment: The p.T94M variant (also known as c.281C>T), located in coding exon 1 of the MYH11 gene, results from a C to T substitution at nucleotide position 281. The threonine at codon 94 is replaced by methionine, an amino acid with similar properties, and is located in the myosin motor domain. This amino acid position is highly conserved in available vertebrate species. In addition, this alteration is predicted to be deleterious by in silico analysis. Since supporting evidence is limited at this time, the clinical significance of this alteration remains unclear.